The following is an entry in ClinVar:

ClinVar aggregate classification (germline): Uncertain significance (1 of 4 stars; one submission).

gnomAD v4.1: 17 of 1,614,070 alleles (0.0011%); highest among the groups gnomAD compares: Admixed American, 0.0017%; no homozygotes.

Submission:

Labcorp Genetics (formerly Invitae), Labcorp
Classification: Uncertain significance. Last evaluated: 2026-01-17. Review status: criteria provided, single submitter. Criteria: Invitae Variant Classification Sherloc (09022015). Collection method: clinical testing. Allele origin: germline.
Comment: This sequence change replaces proline, which is neutral and non-polar, with leucine, which is neutral and non-polar, at codon 45 of the RGR protein (p.Pro45Leu). This variant is not present in population databases (gnomAD no frequency). This variant has not been reported in the literature in individuals affected with RGR-related conditions. Experimental studies and prediction algorithms are not available or were not evaluated, and the functional significance of this variant is currently unknown. In summary, the available evidence is currently insufficient to determine the role of this variant in disease. Therefore, it has been classified as a Variant of Uncertain Significance.

NM_001012720.2(RGR):c.134C>T (p.Pro45Leu)

Gene: RGR (retinal G protein coupled receptor; plus strand). Cytogenetic location: 10q23.1.
Variant type: single nucleotide variant.
Coding change: c.134C>T on transcript NM_001012720.2 (MANE Select); coding-DNA position 134, C replaced by T.
Protein change: p.Pro45Leu; replaces proline 45 with leucine.
Molecular consequence: missense variant.
Genome position (GRCh38, 1-based): chr10:84,247,645, C>T. VCF-style: chr10-84247645-C-T. GRCh37 (hg19) VCF-style: chr10-86007401-C-T.
Other names: c.134C>T, p.Pro45Leu (NM_001012722.2, NM_002921.4); short protein forms P45L.
Identifiers: ClinVar variation 4696607 (VCV004696607.1).
Genomic context (GRCh38, chr10:84,247,645, plus strand): 5'-TTTCAGCTCTCTCCGGTCTCAGCCTCAATACCCTGACCATCTTCTCTTTCTGCAAGACCC[C>T]GGAGCTGCGGACTCCCTGCCACCTACTGGTGCTGAGCTTGGCTCTTGCGGACAGTGGGAT-3'
Protein context (NP_001012738.1, residues 35-55): TLTIFSFCKT[Pro45Leu]ELRTPCHLLV